The following is an entry in ClinVar:

ClinVar aggregate classification (germline): Pathogenic/Likely pathogenic. Review status: criteria provided, multiple submitters, no conflicts (2 of 4 stars). 2 submissions from 2 submitters: Pathogenic (1); Likely pathogenic (1). Last evaluated 2026-09-08.

Conditions:
Fabry disease. Also called: Fabry's disease; ALPHA-GALACTOSIDASE A DEFICIENCY; ANDERSON-FABRY DISEASE; CERAMIDE TRIHEXOSIDASE DEFICIENCY; GLA DEFICIENCY; HEREDITARY DYSTOPIC LIPIDOSIS. Identifiers: Orphanet 324, MedGen C0002986, MONDO:0010526, OMIM 301500, HP:0001071. Disease mechanism: Fabry disease is due to inactivating mutations in the X-linked GLA gene resulting in deficiency of the enzyme Alpha Galactosidase-A., loss of function.

gnomAD v4.1: 1 of 112,687 alleles (0.00089%); highest among the groups gnomAD compares: East Asian, 0.028%; no homozygotes.

Submissions (2):

Genomenon, Inc
Classification: Pathogenic for Fabry disease. Last evaluated: 2026-09-08. Review status: criteria provided, single submitter. Criteria: Genomenon Sequence Variant Interpretation Standards - Updated. Collection method: curation. Allele origin: germline. Affected: yes.
Comment: GLA c.640-394C>T is an intronic variant located in intron 4. This variant has been observed in at least one proband with clinical features consistent with Fabry disease (PMID:35725559). Functional or patient cell studies have been reported (PMID:35725559). At least one splicing study has demonstrated that this variant results in aberrant splicing (PMID:35725559). It is absent or not present at a significant frequency in gnomAD. In conclusion, we classify GLA c.640-394C>T as a pathogenic variant.

GeneDx
Classification: Likely pathogenic. Last evaluated: 2026-07-24. Review status: criteria provided, single submitter. Criteria: GeneDx Variant Classification Process June 2021. Collection method: clinical testing. Allele origin: germline.
Comment: Published functional studies demonstrate a damaging effect: aberrant splicing and impaired kinase activity (PMID: 35725559); In silico analysis suggests that this variant does not alter splicing; No data available from control populations to assess the frequency of this variant; This variant is associated with the following publications: (PMID: 35725559)

Literature cited by the submitters: PubMed 35725559 (cited by Genomenon, Inc).

NM_000169.3(GLA):c.640-394C>T

Genes: GLA (galactosidase alpha; minus strand), RPL36A-HNRNPH2 (RPL36A-HNRNPH2 readthrough; plus strand). Cytogenetic location: Xq22.1.
Variant type: single nucleotide variant.
Coding change: c.640-394C>T on transcript NM_000169.3 (MANE Select); 394 bases into the intron before coding-DNA position 640, C replaced by T.
Molecular consequence: intron variant.
Genome position (GRCh38, 1-based): chrX:101,399,340, G>A on the plus strand (C>T on the coding strand, the complement: GLA is on the minus strand). VCF-style: chrX-101399340-G-A. GRCh37 (hg19) VCF-style: chrX-100654328-G-A.
Other names: c.300+3883G>A (NM_001199973.2); c.177+7518G>A (NM_001199974.2); c.763-394C>T (NM_001406747.1); c.640-394C>T (NM_001406748.1).
Identifiers: ClinVar variation 3342849 (VCV003342849.3).
Genomic context (GRCh38, chrX:101,399,340, plus strand): 5'-GTAGAGGCTGGGCACGGTGGCTCATGCCTGTAATCCCAGCACTTTGGGAGGCCGAGGCAG[G>A]TGGATCATCTGAGGTCAGGAGTTCGAGACAAGCCTGGCCAACATGGTGAAACCATCTCTA-3'